The following is an entry in ClinVar:

NM_000059.4(BRCA2):c.8332-6G>T

Gene: BRCA2 (BRCA2 DNA repair associated; plus strand). Cytogenetic location: 13q13.1.
Variant type: single nucleotide variant.
Coding change: c.8332-6G>T on transcript NM_000059.4 (MANE Select); 6 bases into the intron before coding-DNA position 8332, G replaced by T.
Molecular consequence: intron variant.
Genome position (GRCh38, 1-based): chr13:32,370,396, G>T. VCF-style: chr13-32370396-G-T. GRCh37 (hg19) VCF-style: chr13-32944533-G-T.
Identifiers: ClinVar variation 136570 (VCV000136570.32), dbSNP rs587780872, ClinGen allele CA025589.

ClinVar aggregate classification (germline): Conflicting classifications of pathogenicity. Review status: criteria provided, conflicting classifications (1 of 4 stars). 9 submissions from 9 submitters: Uncertain significance (2); Benign (1); Likely benign (4). 2 of the submissions do not count toward it. Last evaluated 2026-01-11.

Conditions:
BRCA2-related disorder. Also called: BRCA2-related condition; BRCA2-related disorders. Identifiers: MedGen CN239275.
Hereditary cancer-predisposing syndrome. Also called: Tumor predisposition; Hereditary neoplastic syndrome; Neoplastic Syndromes, Hereditary; Hereditary Cancer Syndrome. Identifiers: Orphanet 140162, MedGen C0027672, MeSH D009386, MONDO:0015356.
Familial cancer of breast. Also called: BREAST CANCER, FAMILIAL; Hereditary breast cancer; hereditary breast carcinoma. Identifiers: Orphanet 227535, MedGen C0346153, MONDO:0016419, OMIM 114480. Disease mechanism: loss of function.
Breast-ovarian cancer, familial, susceptibility to, 2 (BROVCA2). Also called: BRCA2 Hereditary Breast and Ovarian Cancer. Identifiers: Orphanet 145, MedGen C2675520, MONDO:0012933, OMIM 612555. Disease mechanism: loss of function.
Hereditary breast ovarian cancer syndrome. Also called: Hereditary breast and ovarian cancer syndrome; Hereditary breast and ovarian cancer; Hereditary breast and ovarian cancer syndrome (HBOC); Breast and ovarian cancer; BRCA1- and BRCA2-Associated Hereditary Breast and Ovarian Cancer; Hereditary breast and/or ovarian cancer syndrome. Identifiers: Orphanet 145, MedGen C0677776, MeSH D061325, MONDO:0003582. Disease mechanism: loss of function.

Allele frequency attached by ClinVar (database versions not stated): TOPMed below 0.00001; gnomAD 0.00001; gnomAD exomes 0.00001; ExAC 0.00002.
gnomAD v4.1: 6 of 1,611,230 alleles (0.00037%); highest among the groups gnomAD compares: East Asian, 0.0022%; no homozygotes.

Submissions (9):

Labcorp Genetics (formerly Invitae), Labcorp
Classification: Likely benign for Hereditary breast ovarian cancer syndrome. Last evaluated: 2026-01-11. Review status: criteria provided, single submitter. Criteria: Invitae Variant Classification Sherloc (09022015). Collection method: clinical testing. Allele origin: germline.

Women's Health and Genetics/Laboratory Corporation of America, LabCorp
Classification: Likely benign. Last evaluated: 2025-04-22. Review status: criteria provided, single submitter. Criteria: LabCorp Variant Classification Summary - May 2015. Collection method: clinical testing. Allele origin: germline.
Comment: Variant summary: BRCA2 c.8332-6G>T alters a conserved nucleotide located at a position not widely known to affect splicing. Consensus agreement among computation tools predict no significant impact on normal splicing. However, these predictions have yet to be confirmed by functional studies. The variant allele was found at a frequency of 1.2e-05 in 251374 control chromosomes. The available data on variant occurrences in the general population are insufficient to allow any conclusion about variant significance. To our knowledge, no occurrence of c.8332-6G>T in individuals affected with Hereditary Breast And Ovarian Cancer Syndrome and no experimental evidence demonstrating its impact on protein function have been reported. ClinVar contains an entry for this variant (Variation ID: 136570). Based on the evidence outlined above, the variant was classified as likely benign.

Quest Diagnostics Nichols Institute San Juan Capistrano
Classification: Uncertain significance. Last evaluated: 2023-12-20. Review status: criteria provided, single submitter. Criteria: Quest Diagnostics criteria. Collection method: clinical testing. Allele origin: unknown.
Comment: The BRCA2 c.8332-6G>T variant has not been reported in individuals with BRCA2-related conditions in the published literature. The frequency of this variant in the general population, 0.000012 (3/251374 chromosomes (Genome Aggregation Database)), is uninformative in the assessment of its pathogenicity. Analysis of this variant using software algorithms for the prediction of the effect of nucleotide changes on splicing yielded predictions that this variant does not affect BRCA2 mRNA splicing. Based on the available information, we are unable to determine the clinical significance of this variant.

Department of Pathology and Laboratory Medicine, Sinai Health System
Classification: Uncertain significance for Familial cancer of breast; Breast-ovarian cancer, familial, susceptibility to, 2. Last evaluated: 2022-05-31. Review status: criteria provided, single submitter. Criteria: ACMG Guidelines, 2015. Collection method: clinical testing. Allele origin: germline. Affected: yes.

Color Diagnostics, LLC DBA Color Health
Classification: Likely benign for Hereditary cancer-predisposing syndrome. Last evaluated: 2016-09-12. Review status: criteria provided, single submitter. Criteria: ACMG Guidelines, 2015. Collection method: clinical testing. Allele origin: germline.

Ambry Genetics
Classification: Likely benign for Hereditary cancer-predisposing syndrome. Last evaluated: 2014-07-23. Review status: criteria provided, single submitter. Criteria: Ambry Variant Classification Scheme 2023. Collection method: clinical testing. Allele origin: germline.

GeneDx
Classification: Benign. Last evaluated: 2014-02-17. Review status: criteria provided, single submitter. Criteria: GeneDx Variant Classification (06012015). Collection method: clinical testing. Allele origin: germline. Affected: yes.
Comment: This variant is considered likely benign or benign based on one or more of the following criteria: it is a conservative change, it occurs at a poorly conserved position in the protein, it is predicted to be benign by multiple in silico algorithms, and/or has population frequency not consistent with disease.

PreventionGenetics, part of Exact Sciences
Classification: Likely benign for BRCA2-related condition. Last evaluated: 2020-10-09. Review status: no assertion criteria provided. Collection method: clinical testing. Allele origin: germline. Not counted in ClinVar's aggregate classification.
Comment: This variant is classified as likely benign based on ACMG/AMP sequence variant interpretation guidelines (Richards et al. 2015 PMID: 25741868, with internal and published modifications).

Counsyl
Classification: Uncertain significance for Breast-ovarian cancer, familial, susceptibility to, 2. Last evaluated: 2018-02-20. Review status: no assertion criteria provided. Collection method: clinical testing. Allele origin: unknown. Not counted in ClinVar's aggregate classification.